The following is an entry in ClinVar:

NM_003059.3(SLC22A4):c.872G>C (p.Arg291Thr)

Genes: MIR3936HG (MIR3936 host gene; minus strand), SLC22A4 (solute carrier family 22 member 4; plus strand). Cytogenetic location: 5q31.1.
Variant type: single nucleotide variant.
Coding change: c.872G>C on transcript NM_003059.3 (MANE Select); coding-DNA position 872, G replaced by C.
Protein change: p.Arg291Thr; replaces arginine 291 with threonine.
Molecular consequence: missense variant.
Genome position (GRCh38, 1-based): chr5:132,327,324, G>C. VCF-style: chr5-132327324-G-C. GRCh37 (hg19) VCF-style: chr5-131663017-G-C.
Other names: short protein forms R291T.
Identifiers: ClinVar variation 2049513 (VCV002049513.4), dbSNP rs2532023230, ClinGen allele CA360808230.

ClinVar aggregate classification (germline): Uncertain significance (1 of 4 stars; one submission).

Submission:

Labcorp Genetics (formerly Invitae), Labcorp
Classification: Uncertain significance. Last evaluated: 2022-09-13. Review status: criteria provided, single submitter. Criteria: Invitae Variant Classification Sherloc (09022015). Collection method: clinical testing. Allele origin: germline.
Comment: This sequence change replaces arginine, which is basic and polar, with threonine, which is neutral and polar, at codon 291 of the SLC22A4 protein (p.Arg291Thr). This variant is not present in population databases (gnomAD no frequency). This variant has not been reported in the literature in individuals affected with SLC22A4-related conditions. Advanced modeling of protein sequence and biophysical properties (such as structural, functional, and spatial information, amino acid conservation, physicochemical variation, residue mobility, and thermodynamic stability) performed at Invitae indicates that this missense variant is not expected to disrupt SLC22A4 protein function. In summary, the available evidence is currently insufficient to determine the role of this variant in disease. Therefore, it has been classified as a Variant of Uncertain Significance.